The following is an entry in ClinVar:

ClinVar aggregate classification (germline): Likely benign. Review status: criteria provided, multiple submitters, no conflicts (2 of 4 stars). 4 submissions from 4 submitters: Likely benign (3). 1 of the submissions does not count toward it. Last evaluated 2025-12-07.

Conditions:
VPS13B-related disorder. Also called: VPS13B-related condition.
Cohen syndrome (COH1). Also called: PEPPER SYNDROME; Cutis verticis gyrata, retinitis pigmentosa, and sensorineural deafness. Identifiers: Orphanet 193, MedGen C0265223, MONDO:0008999, OMIM 216550.

gnomAD v4.1: 1 of 1,614,144 alleles (0.000062%); highest among the groups gnomAD compares: Admixed American, 0.0017%; no homozygotes.

Submissions (4):

PreventionGenetics, part of Exact Sciences
Classification: Likely benign for VPS13B-related condition. Last evaluated: 2025-12-07. Review status: criteria provided, single submitter. Criteria: ACMG Guidelines, 2015. Collection method: clinical testing. Allele origin: germline.
Comment: This variant is classified as likely benign based on ACMG/AMP sequence variant interpretation guidelines (Richards et al. 2015 PMID: 25741868, with internal and published modifications).

Blueprint Genetics
Classification: Likely benign. Last evaluated: 2024-04-26. Review status: criteria provided, single submitter. Criteria: ACMG Guidelines, 2015. Collection method: clinical testing. Allele origin: germline.

Labcorp Genetics (formerly Invitae), Labcorp
Classification: Likely benign for Cohen syndrome. Last evaluated: 2022-04-10. Review status: criteria provided, single submitter. Criteria: Invitae Variant Classification Sherloc (09022015). Collection method: clinical testing. Allele origin: germline.

Natera, Inc.
Classification: Uncertain significance for Cohen syndrome. Last evaluated: 2025-04-10. Review status: no assertion criteria provided. Collection method: clinical testing. Allele origin: germline. Not counted in ClinVar's aggregate classification.

NM_152564.5(VPS13B):c.7326T>C (p.Val2442=)

Gene: VPS13B (vacuolar protein sorting 13 homolog B; plus strand). Cytogenetic location: 8q22.2.
Variant type: single nucleotide variant.
Coding change: c.7326T>C on transcript NM_152564.5 (MANE Select); coding-DNA position 7326, T replaced by C.
Protein change: p.Val2442=; no amino-acid change (valine 2442 retained).
Molecular consequence: synonymous variant.
Genome position (GRCh38, 1-based): chr8:99,776,853, T>C. VCF-style: chr8-99776853-T-C. GRCh37 (hg19) VCF-style: chr8-100789081-T-C.
Other names: c.7401T>C, p.Val2467= (NM_017890.5).
Identifiers: ClinVar variation 2192238 (VCV002192238.7), dbSNP rs2130668217, ClinGen allele CA462449188.